The following is an entry in ClinVar:

ClinVar aggregate classification (germline): Uncertain significance. Review status: criteria provided, multiple submitters, no conflicts (2 of 4 stars). 2 submissions from 2 submitters: Uncertain significance (2). Last evaluated 2025-03-26.

Conditions:
Inborn genetic diseases. Identifiers: MedGen C0950123, MeSH D030342.
Dyskeratosis congenita, autosomal recessive 5 (DKCB5). Identifiers: MedGen C3554656, MONDO:0014076, OMIM 615190.
Pulmonary fibrosis and/or bone marrow failure, Telomere-related, 3. Also called: PULMONARY FIBROSIS AND/OR BONE MARROW FAILURE SYNDROME, TELOMERE-RELATED, 3. Identifiers: Orphanet 2032, MedGen C4225346, MONDO:0014613, OMIM 616373.

Allele frequency attached by ClinVar (database versions not stated): ExAC 0.00002.
gnomAD v4.1: 2 of 1,603,426 alleles (0.00012%); highest among the groups gnomAD compares: East Asian, 0.0045%; no homozygotes.

Submissions (2):

Ambry Genetics
Classification: Uncertain significance for Inborn genetic diseases. Last evaluated: 2025-03-26. Review status: criteria provided, single submitter. Criteria: Ambry Variant Classification Scheme 2023. Collection method: clinical testing. Allele origin: germline.
Comment: The p.G1040V variant (also known as c.3119G>T), located in coding exon 31 of the RTEL1 gene, results from a G to T substitution at nucleotide position 3119. The glycine at codon 1040 is replaced by valine, an amino acid with dissimilar properties. This amino acid position is conserved. In addition, this alteration is predicted to be tolerated by in silico analysis. Based on the available evidence, the clinical significance of this variant remains unclear.

Labcorp Genetics (formerly Invitae), Labcorp
Classification: Uncertain significance for Dyskeratosis congenita, autosomal recessive 5; Pulmonary fibrosis and/or bone marrow failure, Telomere-related, 3. Last evaluated: 2023-10-06. Review status: criteria provided, single submitter. Criteria: Invitae Variant Classification Sherloc (09022015). Collection method: clinical testing. Allele origin: germline.
Comment: This sequence change replaces glycine, which is neutral and non-polar, with valine, which is neutral and non-polar, at codon 1040 of the RTEL1 protein (p.Gly1040Val). The frequency data for this variant in the population databases is considered unreliable, as metrics indicate poor data quality at this position in the gnomAD database. This variant has not been reported in the literature in individuals affected with RTEL1-related conditions. An algorithm developed to predict the effect of missense changes on protein structure and function (PolyPhen-2) suggests that this variant is likely to be tolerated. In summary, the available evidence is currently insufficient to determine the role of this variant in disease. Therefore, it has been classified as a Variant of Uncertain Significance.

NM_001283009.2(RTEL1):c.3119G>T (p.Gly1040Val)

Genes: RTEL1 (regulator of telomere elongation helicase 1; plus strand), RTEL1-TNFRSF6B (RTEL1-TNFRSF6B readthrough (NMD candidate); plus strand). Cytogenetic location: 20q13.33.
Variant type: single nucleotide variant.
Coding change: c.3119G>T on transcript NM_001283009.2 (MANE Select); coding-DNA position 3119, G replaced by T.
Protein change: p.Gly1040Val; replaces glycine 1040 with valine.
Molecular consequence: missense variant. On other transcripts: non-coding transcript variant (1).
Genome position (GRCh38, 1-based): chr20:63,694,750, G>T. VCF-style: chr20-63694750-G-T. GRCh37 (hg19) VCF-style: chr20-62326103-G-T.
Other names: c.2450G>T, p.Gly817Val (NM_001283010.1); c.3119G>T, p.Gly1040Val (NM_016434.4); c.3191G>T, p.Gly1064Val (NM_032957.5); short protein forms G817V, G1064V, G1040V.
Identifiers: ClinVar variation 2936920 (VCV002936920.4), dbSNP rs775476947, ClinGen allele CA9965879.
Genomic context (GRCh38, chr20:63,694,750, plus strand): 5'-TCTCAGTCCTCCACCCCAGCGCCACTCTGAGCCATGCTACTCCCACACCAGGAGACCCTG[G>T]CAGCCAACCACAGTGGGGGTCTGGAGTGCCCAGAGCAGGGAAGCAGGGCCAGCACGCCGT-3'
Protein context (NP_001269938.1, residues 1030-1050): SPRPPPTGDP[Gly1040Val]SQPQWGSGVP